The following is an entry in ClinVar:

ClinVar aggregate classification (germline): Likely benign. Review status: criteria provided, multiple submitters, no conflicts (2 of 4 stars). 2 submissions from 2 submitters: Likely benign (2). Last evaluated 2021-05-10.

Conditions:
ANO5-Related Muscle Diseases. Identifiers: MedGen CN180644.

Allele frequency attached by ClinVar (database versions not stated): 1000 Genomes Project 0.00499; gnomAD 0.01173 and 0.01204; TOPMed 0.01202; 1000 Genomes Project 30x 0.00547.

Submissions (2):

GeneDx
Classification: Likely benign. Last evaluated: 2021-05-10. Review status: criteria provided, single submitter. Criteria: GeneDx Variant Classification Process June 2021. Collection method: clinical testing. Allele origin: germline. Affected: yes.

Illumina Laboratory Services, Illumina
Classification: Likely benign for ANO5-Related Muscle Diseases. Last evaluated: 2018-01-13. Review status: criteria provided, single submitter. Criteria: ICSL Variant Classification Criteria 13 December 2019. Collection method: clinical testing. Allele origin: germline.
Comment: This variant was observed in the ICSL laboratory as part of a predisposition screen in an ostensibly healthy population. It had not been previously curated by ICSL or reported in the Human Gene Mutation Database (HGMD: prior to June 1st, 2018), and was therefore a candidate for classification through an automated scoring system. Utilizing variant allele frequency, disease prevalence and penetrance estimates, and inheritance mode, an automated score was calculated to assess if this variant is too frequent to cause the disease. Based on the score and internal cut-off values, a variant classified as likely benign is not then subjected to further curation. The score for this variant resulted in a classification of likely benign for this disease.

NM_213599.3(ANO5):c.*930C>T

Gene: ANO5 (anoctamin 5; plus strand). Cytogenetic location: 11p14.3.
Variant type: single nucleotide variant.
Coding change: c.*930C>T on transcript NM_213599.3 (MANE Select); 930 bases downstream of the stop codon, C replaced by T.
Molecular consequence: 3 prime UTR variant.
Genome position (GRCh38, 1-based): chr11:22,280,695, C>T. VCF-style: chr11-22280695-C-T. GRCh37 (hg19) VCF-style: chr11-22302241-C-T.
Other names: c.*930C>T (NM_001142649.2).
Identifiers: ClinVar variation 304126 (VCV000304126.7), dbSNP rs78428314, ClinGen allele CA10630636.